The following is an entry in ClinVar:

NM_001190274.2(FBXO11):c.2007-5T>C

Gene: FBXO11 (F-box protein 11; minus strand). Cytogenetic location: 2p16.3.
Variant type: single nucleotide variant.
Coding change: c.2007-5T>C on transcript NM_001190274.2 (MANE Select); 5 bases into the intron before coding-DNA position 2007, T replaced by C.
Molecular consequence: intron variant.
Genome position (GRCh38, 1-based): chr2:47,813,872, A>G on the plus strand (T>C on the coding strand, the complement: FBXO11 is on the minus strand). VCF-style: chr2-47813872-A-G. GRCh37 (hg19) VCF-style: chr2-48041011-A-G.
Other names: c.1755-5T>C (NM_001374325.1, NM_025133.4).
Identifiers: ClinVar variation 1669021 (VCV001669021.9), dbSNP rs1670808531, ClinGen allele CA913090566.

ClinVar aggregate classification (germline): Likely benign. Review status: criteria provided, multiple submitters, no conflicts (2 of 4 stars). 2 submissions from 2 submitters: Likely benign (2). Last evaluated 2025-05-28.

Allele frequency attached by ClinVar (database versions not stated): gnomAD exomes below 0.00001.
gnomAD v4.1: 3 of 1,605,302 alleles (0.00019%); highest among the groups gnomAD compares: Non-Finnish European, 0.000085%; no homozygotes.

Submissions (2):

Women's Health and Genetics/Laboratory Corporation of America, LabCorp
Classification: Likely benign. Last evaluated: 2025-05-28. Review status: criteria provided, single submitter. Criteria: LabCorp Variant Classification Summary - May 2015. Collection method: clinical testing. Allele origin: germline.
Comment: Variant summary: FBXO11 c.2007-5T>C alters a non-conserved nucleotide located at a position not widely known to affect splicing. Consensus agreement among computation tools predicts no significant impact on normal splicing. However, these predictions have yet to be confirmed by functional studies. The variant allele was found at a frequency of 1.9e-06 in 1598338 control chromosomes in the gnomAD database (v4.1 dataset). The available data on variant occurrences in the general population are insufficient to allow any conclusion about variant significance. To our knowledge, no occurrence of c.2007-5T>C in individuals affected with Intellectual Developmental Disorder With Dysmorphic Facies And Behavioral Abnormalities and no experimental evidence demonstrating its impact on protein function have been reported. ClinVar contains an entry for this variant (Variation ID: 1669021). Based on the evidence outlined above, the variant was classified as likely benign.

Labcorp Genetics (formerly Invitae), Labcorp
Classification: Likely benign. Last evaluated: 2022-08-31. Review status: criteria provided, single submitter. Criteria: Invitae Variant Classification Sherloc (09022015). Collection method: clinical testing. Allele origin: germline.